The following is an entry in ClinVar:

NM_181741.4(ORC4):c.443G>A (p.Arg148Gln)

Gene: ORC4 (origin recognition complex subunit 4; minus strand). Cytogenetic location: 2q23.1.
Variant type: single nucleotide variant.
Coding change: c.443G>A on transcript NM_181741.4 (MANE Select); coding-DNA position 443, G replaced by A.
Protein change: p.Arg148Gln; replaces arginine 148 with glutamine.
Molecular consequence: missense variant.
Genome position (GRCh38, 1-based): chr2:147,952,518, C>T on the plus strand (G>A on the coding strand, the complement: ORC4 is on the minus strand). VCF-style: chr2-147952518-C-T. GRCh37 (hg19) VCF-style: chr2-148710087-C-T.
Other names: c.443G>A, p.Arg148Gln (NM_001190879.3, NM_001374270.1, NM_002552.5 and 1 more transcripts); c.191G>A, p.Arg64Gln (NM_001190881.3, NM_001374272.1); c.221G>A, p.Arg74Gln (NM_001190882.3); short protein forms R148Q, R74Q, R64Q.
Identifiers: ClinVar variation 1931016 (VCV001931016.3), dbSNP rs753087343, ClinGen allele CA1899597.

ClinVar aggregate classification (germline): Uncertain significance. Review status: criteria provided, multiple submitters, no conflicts (2 of 4 stars). 2 submissions from 2 submitters: Uncertain significance (2). Last evaluated 2025-01-22.

Conditions:
Inborn genetic diseases. Identifiers: MedGen C0950123, MeSH D030342.

Allele frequency attached by ClinVar (database versions not stated): gnomAD 0.00001; TOPMed 0.00002; gnomAD exomes 0.00003; ExAC 0.00006.
gnomAD v4.1: 47 of 1,607,074 alleles (0.0029%); highest among the groups gnomAD compares: Middle Eastern, 0.016%; no homozygotes.

Submissions (2):

Ambry Genetics
Classification: Uncertain significance for Inborn genetic diseases. Last evaluated: 2025-01-22. Review status: criteria provided, single submitter. Criteria: Ambry Variant Classification Scheme 2023. Collection method: clinical testing. Allele origin: germline.

Labcorp Genetics (formerly Invitae), Labcorp
Classification: Uncertain significance. Last evaluated: 2022-08-20. Review status: criteria provided, single submitter. Criteria: Invitae Variant Classification Sherloc (09022015). Collection method: clinical testing. Allele origin: germline.
Comment: This sequence change replaces arginine, which is basic and polar, with glutamine, which is neutral and polar, at codon 148 of the ORC4 protein (p.Arg148Gln). This variant is present in population databases (rs753087343, gnomAD 0.01%). This variant has not been reported in the literature in individuals affected with ORC4-related conditions. Algorithms developed to predict the effect of missense changes on protein structure and function (SIFT, PolyPhen-2, Align-GVGD) all suggest that this variant is likely to be tolerated. In summary, the available evidence is currently insufficient to determine the role of this variant in disease. Therefore, it has been classified as a Variant of Uncertain Significance.